The following is an entry in ClinVar:

ClinVar aggregate classification (germline): Uncertain significance (1 of 4 stars; one submission).

Conditions:
Perlman syndrome (PRLMNS). Identifiers: Orphanet 2849, MedGen C0796113, MONDO:0009965, OMIM 267000.

Submission:

Labcorp Genetics (formerly Invitae), Labcorp
Classification: Uncertain significance for Perlman syndrome. Last evaluated: 2021-07-28. Review status: criteria provided, single submitter. Criteria: Invitae Variant Classification Sherloc (09022015). Collection method: clinical testing. Allele origin: germline.
Comment: In summary, the available evidence is currently insufficient to determine the role of this variant in disease. Therefore, it has been classified as a Variant of Uncertain Significance. Algorithms developed to predict the effect of sequence changes on RNA splicing suggest that this variant may create or strengthen a splice site. Algorithms developed to predict the effect of missense changes on protein structure and function output the following: SIFT: "Tolerated"; PolyPhen-2: "Benign"; Align-GVGD: "Class C0". The proline amino acid residue is found in multiple mammalian species, which suggests that this missense change does not adversely affect protein function. This variant has not been reported in the literature in individuals affected with DIS3L2-related conditions. This variant is not present in population databases (ExAC no frequency). This sequence change replaces glutamine with proline at codon 219 of the DIS3L2 protein (p.Gln219Pro). The glutamine residue is weakly conserved and there is a moderate physicochemical difference between glutamine and proline.

NM_152383.5(DIS3L2):c.656A>C (p.Gln219Pro)

Gene: DIS3L2 (DIS3 like 3'-5' exoribonuclease 2; plus strand). Cytogenetic location: 2q37.1.
Variant type: single nucleotide variant.
Coding change: c.656A>C on transcript NM_152383.5 (MANE Select); coding-DNA position 656, A replaced by C.
Protein change: p.Gln219Pro; replaces glutamine 219 with proline.
Molecular consequence: missense variant. On other transcripts: non-coding transcript variant (2).
Genome position (GRCh38, 1-based): chr2:232,130,673, A>C. VCF-style: chr2-232130673-A-C. GRCh37 (hg19) VCF-style: chr2-232995383-A-C.
Other names: c.656A>C, p.Gln219Pro (NM_001257281.2, NM_001257282.2); short protein forms Q219P.
Identifiers: ClinVar variation 1508373 (VCV001508373.6), dbSNP rs2106350084, ClinGen allele CA351153200.